The following is an entry in ClinVar:

NM_002907.4(RECQL):c.867+9_867+51del

Gene: RECQL (RecQ like helicase; minus strand). Cytogenetic location: 12p12.1.
Variant type: Deletion.
Coding change: c.867+9_867+51del on transcript NM_002907.4 (MANE Select); bases 9 to 51 of the intron after coding-DNA position 867, 43 bases deleted.
Molecular consequence: intron variant.
Genome position (GRCh38, 1-based): chr12:21,477,752-21,477,794, 43 bases deleted. GRCh37 (hg19): chr12:21,630,686-21,630,728.
Other names: c.867+9_867+51del (NM_032941.3).
Identifiers: ClinVar variation 2682074 (VCV002682074.1), dbSNP rs2540355268, ClinGen allele CA2697559133.
Genomic context (GRCh38, chr12:21,477,751, plus strand): 5'-TTAAAAATTTTTGTAAGTACTTAACTGCTCATGTAAATAAACATAATAAAAAGGCAGATC[CCCTCTGCGTAATTCTTCACAAAAGTAAGGAATTGACATAAAAA>C]TTACATACCTCATAATATAGATTTGGCCTATTAAAAGAAGCTGTAAAAGTAAAACACTTT-3'

ClinVar aggregate classification (germline): Uncertain significance (1 of 4 stars; one submission).

Submission:

Quest Diagnostics Nichols Institute San Juan Capistrano
Classification: Uncertain significance. Last evaluated: 2022-09-14. Review status: criteria provided, single submitter. Criteria: Quest Diagnostics criteria. Collection method: clinical testing. Allele origin: unknown.
Comment: This variant has not been reported in the published literature. It also has not been reported in large, multi-ethnic general populations. Analysis of this variant using software algorithms for the prediction of the effect of nucleotide changes on splicing yielded predictions that this variant does not affect RECQL mRNA splicing . Based on the available information, we are unable to determine the clinical significance of this variant.